The following is an entry in ClinVar:

NM_001164665.2(KIAA1549):c.660G>A (p.Ala220=)

Gene: KIAA1549 (KIAA1549; minus strand). Cytogenetic location: 7q34.
Variant type: single nucleotide variant.
Coding change: c.660G>A on transcript NM_001164665.2 (MANE Select); coding-DNA position 660, G replaced by A.
Protein change: p.Ala220=; no amino-acid change (alanine 220 retained).
Molecular consequence: synonymous variant.
Genome position (GRCh38, 1-based): chr7:138,918,966, C>T on the plus strand (G>A on the coding strand, the complement: KIAA1549 is on the minus strand). VCF-style: chr7-138918966-C-T. GRCh37 (hg19) VCF-style: chr7-138603712-C-T.
Other names: c.660G>A, p.Ala220= (NM_020910.3).
Identifiers: ClinVar variation 787324 (VCV000787324.14), dbSNP rs77986377, ClinGen allele CA4506900.

ClinVar aggregate classification (germline): Benign/Likely benign. Review status: criteria provided, multiple submitters, no conflicts (2 of 4 stars). 4 submissions from 4 submitters: Benign (2); Likely benign (2). Last evaluated 2026-08-20.

Conditions:
KIAA1549-related disorder. Also called: KIAA1549-related condition.

Allele frequency attached by ClinVar (database versions not stated): gnomAD 0.00109 and 0.00116; TOPMed 0.00138; ESP Exome Variant Server 0.00181; gnomAD exomes 0.00012 and 0.00032; ExAC 0.00041; 1000 Genomes Project 0.00080; 1000 Genomes Project 30x 0.00094.
gnomAD v4.1: 346 of 1,613,978 alleles (0.021%); highest among the groups gnomAD compares: African/African-American, 0.41%; 3 homozygotes.

Submissions (4):

PreventionGenetics, part of Exact Sciences
Classification: Likely benign for KIAA1549-related condition. Last evaluated: 2026-08-20. Review status: criteria provided, single submitter. Criteria: ACMG Guidelines, 2015. Collection method: clinical testing. Allele origin: germline.
Comment: This variant is classified as likely benign based on ACMG/AMP sequence variant interpretation guidelines (Richards et al. 2015 PMID: 25741868, with internal and published modifications).

Labcorp Genetics (formerly Invitae), Labcorp
Classification: Benign. Last evaluated: 2026-01-27. Review status: criteria provided, single submitter. Criteria: Invitae Variant Classification Sherloc (09022015). Collection method: clinical testing. Allele origin: germline.

Blueprint Genetics
Classification: Likely benign. Last evaluated: 2024-09-20. Review status: criteria provided, single submitter. Criteria: ACMG Guidelines, 2015. Collection method: clinical testing. Allele origin: germline.

Breakthrough Genomics
Classification: Benign. Review status: criteria provided, single submitter. Criteria: ACMG Guidelines, 2015. Collection method: not provided. Allele origin: germline. Inheritance: Autosomal recessive inheritance. Affected: yes.